The following is an entry in ClinVar:

NM_006231.4(POLE):c.1958C>T (p.Ala653Val)

Gene: POLE (DNA polymerase epsilon, catalytic subunit; minus strand). Cytogenetic location: 12q24.33.
Variant type: single nucleotide variant.
Coding change: c.1958C>T on transcript NM_006231.4 (MANE Select); coding-DNA position 1958, C replaced by T.
Protein change: p.Ala653Val; replaces alanine 653 with valine.
Molecular consequence: missense variant.
Genome position (GRCh38, 1-based): chr12:132,668,703, G>A on the plus strand (C>T on the coding strand, the complement: POLE is on the minus strand). VCF-style: chr12-132668703-G-A. GRCh37 (hg19) VCF-style: chr12-133245289-G-A.
Other names: c.1958C>T (NM_006231.2); short protein forms A653V.
Identifiers: ClinVar variation 473499 (VCV000473499.12), dbSNP rs1555227357, ClinGen allele CA387355112.
Genomic context (GRCh38, chr12:132,668,703, plus strand): 5'-CCCCTCCACTGCCAGGCCATCTTCCGCTGGCAGTTTGCTCCAGGCTTATTGAAGTCACAG[G>A]CAGCACAGGTGGCTTCGTCCACCATGGCAGAGGGCTGGGAGGGGTGAGAAAGCACTTAGG-3'
Protein context (NP_006222.2, residues 643-663): SAMVDEATCA[Ala653Val]CDFNKPGANC

ClinVar aggregate classification (germline): Uncertain significance. Review status: criteria provided, multiple submitters, no conflicts (2 of 4 stars). 2 submissions from 2 submitters: Uncertain significance (2). Last evaluated 2024-03-26.

Conditions:
Hereditary cancer-predisposing syndrome. Also called: Neoplastic Syndromes, Hereditary; Tumor predisposition; Hereditary Cancer Syndrome; Hereditary neoplastic syndrome. Identifiers: Orphanet 140162, MedGen C0027672, MeSH D009386, MONDO:0015356.

Allele frequency attached by ClinVar (database versions not stated): gnomAD exomes below 0.00001.
gnomAD v4.1: 1 of 1,614,142 alleles (0.000062%); highest among the groups gnomAD compares: Non-Finnish European, 0.000085%; no homozygotes.

Submissions (2):

Labcorp Genetics (formerly Invitae), Labcorp
Classification: Uncertain significance. Last evaluated: 2024-03-26. Review status: criteria provided, single submitter. Criteria: Invitae Variant Classification Sherloc (09022015). Collection method: clinical testing. Allele origin: germline.
Comment: This sequence change replaces alanine, which is neutral and non-polar, with valine, which is neutral and non-polar, at codon 653 of the POLE protein (p.Ala653Val). This variant is not present in population databases (gnomAD no frequency). This variant has not been reported in the literature in individuals affected with POLE-related conditions. ClinVar contains an entry for this variant (Variation ID: 473499). Advanced modeling of protein sequence and biophysical properties (such as structural, functional, and spatial information, amino acid conservation, physicochemical variation, residue mobility, and thermodynamic stability) performed at Invitae indicates that this missense variant is not expected to disrupt POLE protein function with a negative predictive value of 80%. In summary, the available evidence is currently insufficient to determine the role of this variant in disease. Therefore, it has been classified as a Variant of Uncertain Significance.

Ambry Genetics
Classification: Uncertain significance for Hereditary cancer-predisposing syndrome. Last evaluated: 2023-07-13. Review status: criteria provided, single submitter. Criteria: Ambry Variant Classification Scheme 2023. Collection method: clinical testing. Allele origin: germline.
Comment: The p.A653V variant (also known as c.1958C>T), located in coding exon 18 of the POLE gene, results from a C to T substitution at nucleotide position 1958. The alanine at codon 653 is replaced by valine, an amino acid with similar properties. This amino acid position is conserved. In addition, the in silico prediction for this alteration is inconclusive. Since supporting evidence is limited at this time, the clinical significance of this alteration remains unclear.